The following is an entry in ClinVar:

NM_198859.4(PRICKLE2):c.721C>A (p.Pro241Thr)

Gene: PRICKLE2 (prickle planar cell polarity protein 2; minus strand). Cytogenetic location: 3p14.1.
Variant type: single nucleotide variant.
Coding change: c.721C>A on transcript NM_198859.4 (MANE Select); coding-DNA position 721, C replaced by A.
Protein change: p.Pro241Thr; replaces proline 241 with threonine.
Molecular consequence: missense variant.
Genome position (GRCh38, 1-based): chr3:64,153,248, G>T on the plus strand (C>A on the coding strand, the complement: PRICKLE2 is on the minus strand). VCF-style: chr3-64153248-G-T. GRCh37 (hg19) VCF-style: chr3-64138924-G-T.
Other names: c.721C>A, p.Pro241Thr (NM_001370528.1); short protein forms P241T.
Identifiers: ClinVar variation 1382662 (VCV001382662.8), dbSNP rs2077575277, ClinGen allele CA353433820.

ClinVar aggregate classification (germline): Uncertain significance (1 of 4 stars; one submission).

Conditions:
Progressive myoclonic epilepsy type 5. Identifiers: Orphanet 402082, MedGen C5190799.

Allele frequency attached by ClinVar (database versions not stated): TOPMed 0.00001.

Submission:

Labcorp Genetics (formerly Invitae), Labcorp
Classification: Uncertain significance for Progressive myoclonic epilepsy type 5. Last evaluated: 2023-09-25. Review status: criteria provided, single submitter. Criteria: Invitae Variant Classification Sherloc (09022015). Collection method: clinical testing. Allele origin: germline.
Comment: This variant has not been reported in the literature in individuals affected with PRICKLE2-related conditions. ClinVar contains an entry for this variant (Variation ID: 1382662). Advanced modeling of protein sequence and biophysical properties (such as structural, functional, and spatial information, amino acid conservation, physicochemical variation, residue mobility, and thermodynamic stability) performed at Invitae indicates that this missense variant is expected to disrupt PRICKLE2 protein function. In summary, the available evidence is currently insufficient to determine the role of this variant in disease. Therefore, it has been classified as a Variant of Uncertain Significance. This variant is not present in population databases (gnomAD no frequency). This sequence change replaces proline, which is neutral and non-polar, with threonine, which is neutral and polar, at codon 241 of the PRICKLE2 protein (p.Pro241Thr).